The following is an entry in ClinVar:

NM_000520.6(HEXA):c.187G>T (p.Glu63Ter)

Gene: HEXA (hexosaminidase subunit alpha; minus strand). Cytogenetic location: 15q23.
Variant type: single nucleotide variant.
Coding change: c.187G>T on transcript NM_000520.6 (MANE Select); coding-DNA position 187, G replaced by T.
Protein change: p.Glu63Ter; replaces glutamic acid 63 with a stop codon.
Molecular consequence: nonsense. On other transcripts: non-coding transcript variant (1).
Genome position (GRCh38, 1-based): chr15:72,375,786, C>A on the plus strand (G>T on the coding strand, the complement: HEXA is on the minus strand). VCF-style: chr15-72375786-C-A. GRCh37 (hg19) VCF-style: chr15-72668127-C-A.
Other names: c.187G>T, p.Glu63Ter (NM_001318825.2); c.187G>T (NM_000520.5); short protein forms E63*.
Identifiers: ClinVar variation 496010 (VCV000496010.12), dbSNP rs759092928, ClinGen allele CA393070244.

ClinVar aggregate classification (germline): Pathogenic/Likely pathogenic. Review status: criteria provided, multiple submitters, no conflicts (2 of 4 stars). 4 submissions from 4 submitters: Pathogenic (2); Likely pathogenic (1). 1 of the submissions does not count toward it. Last evaluated 2025-06-30.

Conditions:
Tay-Sachs disease (TSD). Also called: HEXA Disorders; GM2 gangliosidosis, type 1; Hexosaminidase alpha-subunit deficiency (variant B); Sphingolipidosis, Tay-Sachs; Hexosaminidase A Deficiency; HEXA DEFICIENCY. Identifiers: Orphanet 845, MedGen C0039373, MONDO:0010100, OMIM 272800.

Allele frequency attached by ClinVar (database versions not stated): gnomAD 0.00001; TOPMed 0.00001.
gnomAD v4.1: 2 of 1,614,128 alleles (0.00012%); highest among the groups gnomAD compares: Admixed American, 0.0017%; no homozygotes.

Submissions (4):

Natera, Inc.
Classification: Pathogenic for Tay-Sachs disease. Last evaluated: 2025-06-30. Review status: criteria provided, single submitter. Criteria: Natera Variant Classification Schema (03/2026). Collection method: clinical testing. Allele origin: germline.
Comment: The c.187G>T variant in HEXA is a nonsense variant predicted to introduce a stop codon at amino acid 63. This variant is expected to result in nonsense mediated decay, truncation, or a dysfunctional protein product. This variant is rare in the general population with a frequency below the threshold expected for the associated phenotype(s). This variant has been observed in one or more individuals affected with the associated recessive disease, as either homozygous or compound heterozygous with a second variant (PMID: 38730490). Given the available evidence, this variant is classified as Pathogenic.

Labcorp Genetics (formerly Invitae), Labcorp
Classification: Pathogenic for Tay-Sachs disease. Last evaluated: 2024-03-05. Review status: criteria provided, single submitter. Criteria: Invitae Variant Classification Sherloc (09022015). Collection method: clinical testing. Allele origin: germline.
Comment: This sequence change creates a premature translational stop signal (p.Glu63*) in the HEXA gene. It is expected to result in an absent or disrupted protein product. Loss-of-function variants in HEXA are known to be pathogenic (PMID: 1833974, 8490625). This variant is present in population databases (no rsID available, gnomAD 0.003%). This variant has not been reported in the literature in individuals affected with HEXA-related conditions. ClinVar contains an entry for this variant (Variation ID: 496010). For these reasons, this variant has been classified as Pathogenic.

Women's Health and Genetics/Laboratory Corporation of America, LabCorp
Classification: Likely pathogenic for Tay-Sachs disease. Last evaluated: 2016-06-09. Review status: criteria provided, single submitter. Criteria: LabCorp Variant Classification Summary - May 2015. Collection method: clinical testing. Allele origin: germline.
Comment: Variant summary: The HEXA c.187G>T (p.Glu63X) variant results in a premature termination codon, predicted to cause a truncated or absent HEXA protein due to nonsense mediated decay, which are commonly known mechanisms for disease. The variant of interest was not observed in controls (ExAC, 1000 Gs or ESP), nor has it been, to our knowledge, reported in affected individuals via publications and/or reputable clinical laboratories/databases. Therefore, taking all available lines of evidence into consideration, the variant of interest has been classified as a "Probable Disease Variant/Likely Pathogenic," until additional information becomes available.

Counsyl
Classification: Likely pathogenic for Tay-Sachs disease. Last evaluated: 2017-06-26. Review status: no assertion criteria provided. Collection method: clinical testing. Allele origin: unknown. Not counted in ClinVar's aggregate classification.

Literature cited by the submitters: PubMed 38730490 (cited by Natera, Inc.); PubMed 1833974 (cited by Labcorp Genetics (formerly Invitae), Labcorp); PubMed 8490625 (cited by Labcorp Genetics (formerly Invitae), Labcorp).